The following is an entry in ClinVar:

ClinVar aggregate classification (germline): Uncertain significance (1 of 4 stars; one submission).

Conditions:
Joubert syndrome. Also called: CEREBELLOPARENCHYMAL DISORDER IV; JOUBERT-BOLTSHAUSER SYNDROME; Familial aplasia of the vermis. Identifiers: Orphanet 475, MedGen C5979921, MONDO:0018772.

Submission:

Labcorp Genetics (formerly Invitae), Labcorp
Classification: Uncertain significance for Joubert syndrome. Last evaluated: 2022-05-12. Review status: criteria provided, single submitter. Criteria: Invitae Variant Classification Sherloc (09022015). Collection method: clinical testing. Allele origin: germline.
Comment: This variant is not present in population databases (gnomAD no frequency). This variant has not been reported in the literature in individuals affected with AHI1-related conditions. Algorithms developed to predict the effect of missense changes on protein structure and function are either unavailable or do not agree on the potential impact of this missense change (SIFT: "Deleterious"; PolyPhen-2: "Possibly Damaging"; Align-GVGD: "Class C0"). This variant disrupts the p.Asp828 amino acid residue in AHI1. Other variant(s) that disrupt this residue have been determined to be pathogenic (Invitae). This suggests that this residue is clinically significant, and that variants that disrupt this residue are likely to be disease-causing. In summary, the available evidence is currently insufficient to determine the role of this variant in disease. Therefore, it has been classified as a Variant of Uncertain Significance. This sequence change replaces aspartic acid, which is acidic and polar, with glutamic acid, which is acidic and polar, at codon 828 of the AHI1 protein (p.Asp828Glu).

NM_001134831.2(AHI1):c.2484T>A (p.Asp828Glu)

Gene: AHI1 (Abelson helper integration site 1; minus strand). Cytogenetic location: 6q23.3.
Variant type: single nucleotide variant.
Coding change: c.2484T>A on transcript NM_001134831.2 (MANE Select); coding-DNA position 2484, T replaced by A.
Protein change: p.Asp828Glu; replaces aspartic acid 828 with glutamic acid.
Molecular consequence: missense variant.
Genome position (GRCh38, 1-based): chr6:135,429,890, A>T on the plus strand (T>A on the coding strand, the complement: AHI1 is on the minus strand). VCF-style: chr6-135429890-A-T. GRCh37 (hg19) VCF-style: chr6-135751028-A-T.
Other names: c.2484T>A, p.Asp828Glu (NM_001134830.2, NM_001134832.2, NM_001350503.2 and 2 more transcripts); short protein forms D828E.
Identifiers: ClinVar variation 1993474 (VCV001993474.4), dbSNP rs764221951, ClinGen allele CA4012371.